The following is an entry in ClinVar:

ClinVar aggregate classification (germline): Likely pathogenic (1 of 4 stars; one submission).

Submission:

GeneDx
Classification: Likely pathogenic. Last evaluated: 2025-08-11. Review status: criteria provided, single submitter. Criteria: GeneDx Variant Classification Process June 2021. Collection method: clinical testing. Allele origin: germline. Affected: yes.
Comment: Frameshift variant predicted to result in abnormal protein length as the last 1 amino acid(s) are replaced with 36 different amino acid(s); Not observed at significant frequency in large population cohorts (gnomAD); This variant is associated with the following publications: (PMID: 24211389)

NM_003394.4(WNT10B):c.1165_1168del (p.Lys389fs)

Gene: WNT10B (Wnt family member 10B; minus strand). Cytogenetic location: 12q13.12.
Variant type: Deletion.
Coding change: c.1165_1168del on transcript NM_003394.4 (MANE Select); coding-DNA positions 1165 to 1168, 4 bases deleted (AAGT; older notation c.1165_1168delAAGT).
Protein change: p.Lys389fs; shifts the reading frame from lysine 389.
Molecular consequence: frameshift variant.
Genome position (GRCh38, 1-based): chr12:48,966,097-48,966,100, ACTT deleted on the plus strand (AAGT on the coding strand, the reverse complement: WNT10B is on the minus strand); deleting any 4 consecutive bases within chr12:48,966,097-48,966,102 gives the same sequence; the c. name uses the placement nearest the transcript's 3' end. VCF-style (leftmost placement, unchanged base first): chr12-48966096-CACTT-C. GRCh37 (hg19) VCF-style: chr12-49359879-CACTT-C.
Other names: short protein forms K389fs.
Identifiers: ClinVar variation 4795367 (VCV004795367.1).